The following is an entry in ClinVar:

NM_000059.4(BRCA2):c.562G>A (p.Val188Met)

Gene: BRCA2 (BRCA2 DNA repair associated; plus strand). Cytogenetic location: 13q13.1.
Variant type: single nucleotide variant.
Coding change: c.562G>A on transcript NM_000059.4 (MANE Select); coding-DNA position 562, G replaced by A.
Protein change: p.Val188Met; replaces valine 188 with methionine.
Molecular consequence: missense variant.
Genome position (GRCh38, 1-based): chr13:32,326,544, G>A. VCF-style: chr13-32326544-G-A. GRCh37 (hg19) VCF-style: chr13-32900681-G-A.
Other names: short protein forms V188M.
Identifiers: ClinVar variation 441524 (VCV000441524.31), dbSNP rs1555281063, ClinGen allele CA387757936.

ClinVar aggregate classification (germline): Uncertain significance. Review status: criteria provided, multiple submitters, no conflicts (2 of 4 stars). 10 submissions from 10 submitters: Uncertain significance (10). Last evaluated 2026-01-05.

Conditions:
BRCA2-related disorder. Also called: BRCA2-related condition; BRCA2-related disorders. Identifiers: MedGen CN239275.
Hereditary cancer-predisposing syndrome. Also called: Hereditary Cancer Syndrome; Tumor predisposition; Hereditary neoplastic syndrome; Neoplastic Syndromes, Hereditary. Identifiers: Orphanet 140162, MedGen C0027672, MeSH D009386, MONDO:0015356.
Hereditary breast ovarian cancer syndrome. Also called: Hereditary breast and/or ovarian cancer syndrome; Breast and ovarian cancer; BRCA1- and BRCA2-Associated Hereditary Breast and Ovarian Cancer; Hereditary breast and ovarian cancer syndrome (HBOC); Hereditary breast and ovarian cancer syndrome; Hereditary breast and ovarian cancer. Identifiers: Orphanet 145, MedGen C0677776, MeSH D061325, MONDO:0003582. Disease mechanism: loss of function.
Breast-ovarian cancer, familial, susceptibility to, 2 (BROVCA2). Also called: BRCA2 Hereditary Breast and Ovarian Cancer. Identifiers: Orphanet 145, MedGen C2675520, MONDO:0012933, OMIM 612555. Disease mechanism: loss of function.
Familial cancer of breast. Also called: Hereditary breast cancer; hereditary breast carcinoma; BREAST CANCER, FAMILIAL. Identifiers: Orphanet 227535, MedGen C0346153, MONDO:0016419, OMIM 114480. Disease mechanism: loss of function.

Allele frequency attached by ClinVar (database versions not stated): gnomAD 0.00001.
gnomAD v4.1: 1 of 1,613,916 alleles (0.000062%); highest among the groups gnomAD compares: African/African-American, 0.0013%; no homozygotes.

Submissions (10):

Labcorp Genetics (formerly Invitae), Labcorp
Classification: Uncertain significance for Hereditary breast ovarian cancer syndrome. Last evaluated: 2026-01-05. Review status: criteria provided, single submitter. Criteria: Invitae Variant Classification Sherloc (09022015). Collection method: clinical testing. Allele origin: germline.
Comment: This sequence change replaces valine, which is neutral and non-polar, with methionine, which is neutral and non-polar, at codon 188 of the BRCA2 protein (p.Val188Met). This variant is not present in population databases (gnomAD no frequency). This variant has not been reported in the literature in individuals affected with BRCA2-related conditions. ClinVar contains an entry for this variant (Variation ID: 441524). Invitae Evidence Modeling of protein sequence and biophysical properties (such as structural, functional, and spatial information, amino acid conservation, physicochemical variation, residue mobility, and thermodynamic stability) indicates that this missense variant is not expected to disrupt BRCA2 protein function with a negative predictive value of 95%. In summary, the available evidence is currently insufficient to determine the role of this variant in disease. Therefore, it has been classified as a Variant of Uncertain Significance.

PreventionGenetics, part of Exact Sciences
Classification: Uncertain significance for BRCA2-related condition. Last evaluated: 2025-06-05. Review status: criteria provided, single submitter. Criteria: ACMG Guidelines, 2015. Collection method: clinical testing. Allele origin: germline.
Comment: The BRCA2 c.562G>A variant is predicted to result in the amino acid substitution p.Val188Met. This variant has been reported in an individual with breast cancer (Supplementary File, Dorling et al. 2021. PubMed ID: 33471991). This variant has not been reported in a large population database (gnomAD), indicating this variant is rare. This variant is interpreted as uncertain in ClinVar. At this time, the clinical significance of this variant is uncertain due to the absence of conclusive functional and genetic evidence.

Women's Health and Genetics/Laboratory Corporation of America, LabCorp
Classification: Uncertain significance. Last evaluated: 2025-03-03. Review status: criteria provided, single submitter. Criteria: LabCorp Variant Classification Summary - May 2015. Collection method: clinical testing. Allele origin: germline.
Comment: Variant summary: BRCA2 c.562G>A (p.Val188Met) results in a conservative amino acid change in the encoded protein sequence. Three of five in-silico tools predict a benign effect of the variant on protein function. The variant was absent in 251416 control chromosomes. The available data on variant occurrences in the general population are insufficient to allow any conclusion about variant significance. c.562G>A has been reported in the literature in at least one individual affected with breast and/or ovarian cancer without evidence of causality (e.g. Park_2021). These report(s) do not provide unequivocal conclusions about association of the variant with Hereditary Breast And Ovarian Cancer Syndrome. To our knowledge, no experimental evidence demonstrating an impact on protein function has been reported. The following publication has been ascertained in the context of this evaluation (PMID: 34063308). ClinVar contains an entry for this variant (Variation ID: 441524). Based on the evidence outlined above, the variant was classified as uncertain significance.

GeneDx
Classification: Uncertain significance. Last evaluated: 2025-01-28. Review status: criteria provided, single submitter. Criteria: GeneDx Variant Classification Process June 2021. Collection method: clinical testing. Allele origin: germline.
Comment: Observed in individual(s) with breast cancer (PMID: 33471991); In silico analysis supports that this missense variant does not alter protein structure/function; Not observed at significant frequency in large population cohorts (gnomAD); Also known as 790G>A; This variant is associated with the following publications: (PMID: 37173992, 33471991)

Ambry Genetics
Classification: Uncertain significance for Hereditary cancer-predisposing syndrome. Last evaluated: 2024-12-10. Review status: criteria provided, single submitter. Criteria: Ambry Variant Classification Scheme 2023. Collection method: clinical testing. Allele origin: germline.
Comment: The p.V188M variant (also known as c.562G>A), located in coding exon 6 of the BRCA2 gene, results from a G to A substitution at nucleotide position 562. The valine at codon 188 is replaced by methionine, an amino acid with highly similar properties. This amino acid position is well conserved in available vertebrate species. In addition, this alteration is predicted to be tolerated by in silico analysis. Since supporting evidence is limited at this time, the clinical significance of this alteration remains unclear.

All of Us Research Program, National Institutes of Health
Classification: Uncertain significance for Breast-ovarian cancer, familial, susceptibility to, 2. Last evaluated: 2023-11-02. Review status: criteria provided, single submitter. Criteria: ACMG Guidelines, 2015. Collection method: clinical testing. Allele origin: germline. Inheritance: Autosomal dominant inheritance. Observed: 2 variant alleles, 2 heterozygotes.
Comment: This missense variant replaces valine with methionine at codon 188 of the BRCA2 protein. Computational prediction suggests that this variant may not impact protein structure and function (internally defined REVEL score threshold <= 0.5, PMID: 27666373). Splice site prediction tools suggest that this variant may not impact RNA splicing. To our knowledge, functional studies have not been performed for this variant. This variant has not been reported in individuals affected with hereditary cancer in the literature. This variant has not been identified in the general population by the Genome Aggregation Database (gnomAD). The available evidence is insufficient to determine the role of this variant in disease conclusively. Therefore, this variant is classified as a Variant of Uncertain Significance.

This study involves interpretation of variants in research participants for the purpose of population health screening. Participant phenotype was not available at the time of variant classification. Additional details can be found in publication PMID: 35346344, PMCID: PMC8962531

Baylor Genetics
Classification: Uncertain significance for Familial cancer of breast. Last evaluated: 2023-10-31. Review status: criteria provided, single submitter. Criteria: ACMG Guidelines, 2015. Collection method: clinical testing. Allele origin: unknown.

Color Diagnostics, LLC DBA Color Health
Classification: Uncertain significance for Hereditary cancer-predisposing syndrome. Last evaluated: 2023-10-18. Review status: criteria provided, single submitter. Criteria: ACMG Guidelines, 2015. Collection method: clinical testing. Allele origin: germline.
Comment: This missense variant replaces valine with methionine at codon 188 of the BRCA2 protein. Computational prediction suggests that this variant may not impact protein structure and function (internally defined REVEL score threshold <= 0.5, PMID: 27666373). To our knowledge, functional studies have not been reported for this variant. This variant has been reported in individuals affected with breast cancer (PMID: 33471991; Leiden Open Variation Database DB-ID BRCA2_007726, 37173992). This variant has not been identified in the general population by the Genome Aggregation Database (gnomAD). The available evidence is insufficient to determine the role of this variant in disease conclusively. Therefore, this variant is classified as a Variant of Uncertain Significance.

St. Jude Molecular Pathology, St. Jude Children's Research Hospital
Classification: Uncertain significance for Hereditary breast ovarian cancer syndrome. Last evaluated: 2021-08-04. Review status: criteria provided, single submitter. Criteria: St. Jude Assertion Criteria 2020. Collection method: clinical testing. Allele origin: germline.

Mendelics
Classification: Uncertain significance for Hereditary breast and ovarian cancer syndrome. Last evaluated: 2018-07-02. Review status: criteria provided, single submitter. Criteria: Mendelics Assertion Criteria 2017. Collection method: clinical testing. Allele origin: unknown.

Literature cited by the submitters: PubMed 34063308 (cited by Women's Health and Genetics/Laboratory Corporation of America, LabCorp); PubMed 33471991 (cited by Color Diagnostics, LLC DBA Color Health); PubMed 37173992 (cited by Color Diagnostics, LLC DBA Color Health).